The following is an entry in ClinVar:

NM_000298.6(PKLR):c.737T>C (p.Leu246Pro)

Gene: PKLR (pyruvate kinase L/R; minus strand). Cytogenetic location: 1q22.
Variant type: single nucleotide variant.
Coding change: c.737T>C on transcript NM_000298.6 (MANE Select); coding-DNA position 737, T replaced by C.
Protein change: p.Leu246Pro; replaces leucine 246 with proline.
Molecular consequence: missense variant.
Genome position (GRCh38, 1-based): chr1:155,294,710, A>G on the plus strand (T>C on the coding strand, the complement: PKLR is on the minus strand). VCF-style: chr1-155294710-A-G. GRCh37 (hg19) VCF-style: chr1-155264501-A-G.
Other names: p.Leu246Pro; c.644T>C, p.Leu215Pro (NM_181871.4); short protein forms L246P, L215P.
Identifiers: ClinVar variation 4541542 (VCV004541542.1).
Genomic context (GRCh38, chr1:155,294,710, plus strand): 5'-TCGGACAGCCCGGGCAAGTCCACCTGGGCCCCTGGCAAGTTCACGCCCTTCCGGCTGCCC[A>G]GGACGCCGCCGTTCTCCACTTGGGTCACCAGTCCCTCTGGGCCTGCGGACATGGAAAGAG-3'
Protein context (NP_000289.1, residues 236-256): LVTQVENGGV[Leu246Pro]GSRKGVNLPG

ClinVar aggregate classification (germline): Uncertain significance (1 of 4 stars; one submission).

Submission:

Mayo Clinic Laboratories, Mayo Clinic
Classification: Uncertain significance. Last evaluated: 2025-06-17. Review status: criteria provided, single submitter. Criteria: ACMG Guidelines, 2015. Collection method: clinical testing. Allele origin: germline. Observed: 1 variant allele.
Comment: PP3_strong, PM2_supporting